The following is an entry in ClinVar:

ClinVar aggregate classification (germline): Uncertain significance. Review status: criteria provided, multiple submitters, no conflicts (2 of 4 stars). 2 submissions from 2 submitters: Uncertain significance (2). Last evaluated 2024-12-22.

Conditions:
Inborn genetic diseases. Identifiers: MedGen C0950123, MeSH D030342.
Baller-Gerold syndrome (BGS). Also called: CRANIOSYNOSTOSIS WITH RADIAL DEFECTS. Identifiers: Orphanet 1225, MedGen C0265308, MONDO:0009039, OMIM 218600.

Submissions (2):

Ambry Genetics
Classification: Uncertain significance for Inborn genetic diseases. Last evaluated: 2024-12-22. Review status: criteria provided, single submitter. Criteria: Ambry Variant Classification Scheme 2023. Collection method: clinical testing. Allele origin: germline.
Comment: The p.P598S variant (also known as c.1792C>T), located in coding exon 11 of the RECQL4 gene, results from a C to T substitution at nucleotide position 1792. The proline at codon 598 is replaced by serine, an amino acid with similar properties. This amino acid position is conserved. In addition, the in silico prediction for this alteration is inconclusive. Based on the available evidence, the clinical significance of this variant remains unclear.

Labcorp Genetics (formerly Invitae), Labcorp
Classification: Uncertain significance for Baller-Gerold syndrome. Last evaluated: 2022-08-15. Review status: criteria provided, single submitter. Criteria: Invitae Variant Classification Sherloc (09022015). Collection method: clinical testing. Allele origin: germline.
Comment: ClinVar contains an entry for this variant (Variation ID: 860088). This variant is not present in population databases (gnomAD no frequency). This variant has not been reported in the literature in individuals affected with RECQL4-related conditions. This sequence change replaces proline, which is neutral and non-polar, with serine, which is neutral and polar, at codon 598 of the RECQL4 protein (p.Pro598Ser). In summary, the available evidence is currently insufficient to determine the role of this variant in disease. Therefore, it has been classified as a Variant of Uncertain Significance.

NM_004260.4(RECQL4):c.1792C>T (p.Pro598Ser)

Gene: RECQL4 (RecQ like helicase 4; minus strand). Cytogenetic location: 8q24.3.
Variant type: single nucleotide variant.
Coding change: c.1792C>T on transcript NM_004260.4 (MANE Select); coding-DNA position 1792, C replaced by T.
Protein change: p.Pro598Ser; replaces proline 598 with serine.
Molecular consequence: missense variant.
Genome position (GRCh38, 1-based): chr8:144,514,275, G>A on the plus strand (C>T on the coding strand, the complement: RECQL4 is on the minus strand). VCF-style: chr8-144514275-G-A. GRCh37 (hg19) VCF-style: chr8-145739659-G-A.
Other names: short protein forms P598S.
Identifiers: ClinVar variation 860088 (VCV000860088.7), dbSNP rs1827827255, ClinGen allele CA372680920.